The following is an entry in ClinVar:

NM_032383.5(HPS3):c.2365_2366insCT (p.Cys789fs)

Genes: CP (ceruloplasmin; minus strand), HPS3 (HPS3 biogenesis of lysosomal organelles complex 2 subunit 1; plus strand). Cytogenetic location: 3q24.
Variant type: Insertion.
Coding change: c.2365_2366insCT on transcript NM_032383.5 (MANE Select); coding-DNA positions 2365 to 2366, CT inserted.
Protein change: p.Cys789fs; shifts the reading frame from cysteine 789.
Molecular consequence: frameshift variant. On other transcripts: non-coding transcript variant (1).
Genome position: GRCh38 VCF-style: chr3-149162761-A-ATC. GRCh37 (hg19) VCF-style: chr3-148880548-A-ATC.
Other names: c.1870_1871insCT, p.Cys624fs (NM_001308258.2); short protein forms C624fs, C789fs.
Identifiers: ClinVar variation 5016444 (VCV005016444.1).

ClinVar aggregate classification (germline): Pathogenic (1 of 4 stars; one submission).

Conditions:
Hermansky-Pudlak syndrome 3 (HPS3). Identifiers: Orphanet 231512, Orphanet 79430, MedGen C3888001, MONDO:0013555, OMIM 614072.

Submission:

Myriad Genetics, Inc.
Classification: Pathogenic for Hermansky-Pudlak syndrome 3. Last evaluated: 2024-05-14. Review status: criteria provided, single submitter. Criteria: Myriad Autosomal Dominant, Autosomal Recessive and X-Linked Classification Criteria (2023). Collection method: clinical testing. Allele origin: unknown.
Comment: NM_032383.3(HPS3):c.2365_2366insCT(C789Sfs*40) is expected to be pathogenic in the context of Hermansky-Pudlak syndrome, HPS3-related. This variant is predicted to lead to an abnormal or absent protein product due to the creation of a premature termination codon in HPS3, a gene where loss-of-function variants are known to be pathogenic. Please note: this variant was assessed in the context of healthy population screening.